The following is an entry in ClinVar:

NM_000311.5(PRNP):c.695T>G (p.Met232Arg)

Gene: PRNP (prion protein (Kanno blood group); plus strand). Cytogenetic location: 20p13.
Variant type: single nucleotide variant.
Coding change: c.695T>G on transcript NM_000311.5 (MANE Select); coding-DNA position 695, T replaced by G.
Protein change: p.Met232Arg; replaces methionine 232 with arginine.
Molecular consequence: missense variant. On other transcripts: 3 prime UTR variant (1).
Genome position (GRCh38, 1-based): chr20:4,699,915, T>G. VCF-style: chr20-4699915-T-G. GRCh37 (hg19) VCF-style: chr20-4680561-T-G.
Other names: PRNP, MET232ARG (rs74315409); c.695T>G, p.Met232Arg (NM_001080121.3, NM_001080122.3, NM_001080123.3 and 1 more transcripts); c.*384T>G (NM_001271561.3); short protein forms M232R.
Identifiers: ClinVar variation 13406 (VCV000013406.11), dbSNP rs74315409, ClinGen allele CA256783.

ClinVar aggregate classification (germline): Uncertain significance. Review status: criteria provided, multiple submitters, no conflicts (2 of 4 stars). 4 submissions from 4 submitters: Uncertain significance (3). 1 of the submissions does not count toward it. Last evaluated 2023-11-01.

Conditions:
Kuru, susceptibility to. Identifiers: Orphanet 454745, MedGen C1855588, MONDO:0009500, OMIM 245300.
Huntington disease-like 1 (HDL1). Also called: PRION DISEASE, EARLY-ONSET, WITH PROMINENT PSYCHIATRIC FEATURES; HUNTINGTON-LIKE NEURODEGENERATIVE DISORDER 1; HUNTINGTON-LIKE NEURODEGENERATIVE DISORDER, AUTOSOMAL DOMINANT. Identifiers: Orphanet 157941, MedGen C1864112, MONDO:0011299, OMIM 603218.
Spongiform encephalopathy with neuropsychiatric features. Identifiers: MedGen C1847650, MONDO:0011703, OMIM 606688.
Gerstmann-Straussler-Scheinker syndrome (GSD). Also called: Spongiform encephalopathy; Cerebellar ataxia, progressive dementia, and amyloid deposits in the central nervous system; Encephalopathy subacute spongiform Gerstmann-Straussler type; PRION DEMENTIA; GERSTMANN-STRAUSSLER DISEASE; CEREBELLAR ATAXIA, PROGRESSIVE DEMENTIA, AND AMYLOID DEPOSITS IN CNS. Identifiers: Orphanet 356, MedGen C0017495, MONDO:0007656, OMIM 137440.
Fatal familial insomnia (FFI). Also called: Fatal Familial Insomnia (FFI). Identifiers: Orphanet 466, MedGen C0206042, MONDO:0010808, OMIM 600072.
Inherited Creutzfeldt-Jakob disease. Also called: Creutzfeldt-Jakob Disease, Familial; Genetic Creutzfeldt-Jakob Disease (Genetic CJD). Identifiers: Orphanet 204, Orphanet 282166, Orphanet 454700, MedGen C0751254, MONDO:0007403, OMIM 123400.

Allele frequency attached by ClinVar (database versions not stated): gnomAD exomes 0.00006; ExAC 0.00009; 1000 Genomes Project 30x 0.00031; gnomAD 0.00002 and 0.00007; TOPMed 0.00001; 1000 Genomes Project 0.00040.
gnomAD v4.1: 185 of 1,613,938 alleles (0.011%); highest among the groups gnomAD compares: East Asian, 0.41%; 1 homozygote.

Submissions (4):

Labcorp Genetics (formerly Invitae), Labcorp
Classification: Uncertain significance for Huntington disease-like 1. Last evaluated: 2023-11-01. Review status: criteria provided, single submitter. Criteria: Invitae Variant Classification Sherloc (09022015). Collection method: clinical testing. Allele origin: germline.
Comment: This sequence change replaces methionine, which is neutral and non-polar, with arginine, which is basic and polar, at codon 232 of the PRNP protein (p.Met232Arg). This variant is present in population databases (rs74315409, gnomAD 0.09%), and has an allele count higher than expected for a pathogenic variant. This missense change has been observed in individual(s) with Creutzfeldt-Jakob disease (PMID: 19422533, 19422537, 21983261, 23320809, 25818675). ClinVar contains an entry for this variant (Variation ID: 13406). Advanced modeling of protein sequence and biophysical properties (such as structural, functional, and spatial information, amino acid conservation, physicochemical variation, residue mobility, and thermodynamic stability) performed at Invitae indicates that this missense variant is not expected to disrupt PRNP protein function with a negative predictive value of 80%. In summary, the available evidence is currently insufficient to determine the role of this variant in disease. Therefore, it has been classified as a Variant of Uncertain Significance.

Fulgent Genetics
Classification: Uncertain significance for Inherited Creutzfeldt-Jakob disease; Gerstmann-Straussler-Scheinker syndrome; Kuru, susceptibility to; Fatal familial insomnia; Huntington disease-like 1; Spongiform encephalopathy with neuropsychiatric features. Last evaluated: 2021-12-02. Review status: criteria provided, single submitter. Criteria: ACMG Guidelines, 2015. Collection method: clinical testing. Allele origin: unknown.

Mendelics
Classification: Uncertain significance for Huntington disease-like 1. Last evaluated: 2019-05-28. Review status: criteria provided, single submitter. Criteria: Mendelics Assertion Criteria 2017. Collection method: clinical testing. Allele origin: unknown.

OMIM
Classification: Uncertain significance for RECLASSIFIED - VARIANT OF UNKNOWN SIGNIFICANCE. Last evaluated: 2012-02-01. Review status: no assertion criteria provided. Collection method: literature only. Allele origin: germline. Not counted in ClinVar's aggregate classification.

Literature cited by the submitters: PubMed 19422533 (cited by Labcorp Genetics (formerly Invitae), Labcorp); PubMed 19422537 (cited by Labcorp Genetics (formerly Invitae), Labcorp); PubMed 21983261 (cited by Labcorp Genetics (formerly Invitae), Labcorp); PubMed 23320809 (cited by Labcorp Genetics (formerly Invitae), Labcorp); PubMed 25818675 (cited by Labcorp Genetics (formerly Invitae), Labcorp); PubMed 22108575 (cited by OMIM); PubMed 20583301 (cited by OMIM); PubMed 8461023 (cited by OMIM); PubMed 12451207 (cited by OMIM); PubMed 16369046 (cited by OMIM); PubMed 26791950 (cited by OMIM).